The following is an entry in ClinVar:

NM_020686.6(ABAT):c.169-5T>A

Gene: ABAT (4-aminobutyrate aminotransferase; plus strand). Cytogenetic location: 16p13.2.
Variant type: single nucleotide variant.
Coding change: c.169-5T>A on transcript NM_020686.6 (MANE Select); 5 bases into the intron before coding-DNA position 169, T replaced by A.
Molecular consequence: intron variant.
Genome position (GRCh38, 1-based): chr16:8,748,103, T>A. VCF-style: chr16-8748103-T-A. GRCh37 (hg19) VCF-style: chr16-8841960-T-A.
Other names: c.169-5T>A (NM_001386602.1, NM_001386615.1, NM_001386609.1 and 11 more transcripts); c.71-5T>A (NM_001386610.1); c.71-9654T>A (NM_001386614.1); c.34-5T>A (NM_001386611.1, NM_001386612.1, NM_001386613.1).
Identifiers: ClinVar variation 2089640 (VCV002089640.4), dbSNP rs1641010, ClinGen allele CA2206100458.

ClinVar aggregate classification (germline): Uncertain significance (1 of 4 stars; one submission).

Conditions:
Gamma-aminobutyric acid transaminase deficiency (GABATD). Also called: GABA transaminase deficiency; Gamma aminobutyrate transaminase deficiency; 4 alpha aminobutyrate transaminase deficiency; GABA aminotransaminase deficiency. Identifiers: Orphanet 2066, MedGen C0342708, MONDO:0013166, OMIM 613163.

gnomAD v4.1: 1 of 1,612,916 alleles (0.000062%); highest among the groups gnomAD compares: Non-Finnish European, 0.000085%; no homozygotes.

Submission:

Labcorp Genetics (formerly Invitae), Labcorp
Classification: Uncertain significance for Gamma-aminobutyric acid transaminase deficiency. Last evaluated: 2022-01-26. Review status: criteria provided, single submitter. Criteria: Invitae Variant Classification Sherloc (09022015). Collection method: clinical testing. Allele origin: germline.
Comment: In summary, the available evidence is currently insufficient to determine the role of this variant in disease. Therefore, it has been classified as a Variant of Uncertain Significance. Algorithms developed to predict the effect of sequence changes on RNA splicing suggest that this variant may disrupt the consensus splice site. This variant has not been reported in the literature in individuals affected with ABAT-related conditions. This variant is not present in population databases (gnomAD no frequency). This sequence change falls in intron 3 of the ABAT gene. It does not directly change the encoded amino acid sequence of the ABAT protein.